The following is an entry in ClinVar:

ClinVar aggregate classification (germline): Uncertain significance. Review status: criteria provided, multiple submitters, no conflicts (2 of 4 stars). 3 submissions from 3 submitters: Uncertain significance (3). Last evaluated 2025-06-15.

Conditions:
Long QT syndrome 13 (LQT13). Identifiers: Orphanet 101016, Orphanet 768, MedGen C3150733, MONDO:0013279, OMIM 613485.
Familial hyperaldosteronism type III. Also called: Familial hyperaldosteronism type 3; FH III. Identifiers: Orphanet 251274, MedGen C3838758, MONDO:0013359, OMIM 613677.
Cardiovascular phenotype. Identifiers: MedGen CN230736.
Long QT syndrome (LQTS). Identifiers: MedGen C0023976, MeSH D008133, MONDO:0002442. Disease mechanism: loss of function. Inheritance: Various modes of inheritance.

Allele frequency attached by ClinVar (database versions not stated): ExAC 0.00001; gnomAD exomes 0.00001 and 0.00002; TOPMed 0.00001; gnomAD 0.00002.
gnomAD v4.1: 19 of 1,614,076 alleles (0.0012%); highest among the groups gnomAD compares: Admixed American, 0.0033%; no homozygotes.

Submissions (3):

Labcorp Genetics (formerly Invitae), Labcorp
Classification: Uncertain significance for Long QT syndrome. Last evaluated: 2025-06-15. Review status: criteria provided, single submitter. Criteria: Invitae Variant Classification Sherloc (09022015). Collection method: clinical testing. Allele origin: germline.
Comment: This sequence change replaces arginine, which is basic and polar, with histidine, which is basic and polar, at codon 87 of the KCNJ5 protein (p.Arg87His). This variant is present in population databases (rs747951700, gnomAD 0.009%). This variant has not been reported in the literature in individuals affected with KCNJ5-related conditions. ClinVar contains an entry for this variant (Variation ID: 659892). Invitae Evidence Modeling of protein sequence and biophysical properties (such as structural, functional, and spatial information, amino acid conservation, physicochemical variation, residue mobility, and thermodynamic stability) indicates that this missense variant is not expected to disrupt KCNJ5 protein function with a negative predictive value of 80%. In summary, the available evidence is currently insufficient to determine the role of this variant in disease. Therefore, it has been classified as a Variant of Uncertain Significance.

Ambry Genetics
Classification: Uncertain significance for Cardiovascular phenotype. Last evaluated: 2020-11-30. Review status: criteria provided, single submitter. Criteria: Ambry Variant Classification Scheme 2023. Collection method: clinical testing. Allele origin: germline.
Comment: The p.R87H variant (also known as c.260G>A), located in coding exon 1 of the KCNJ5 gene, results from a G to A substitution at nucleotide position 260. The arginine at codon 87 is replaced by histidine, an amino acid with highly similar properties, and is located in the TM domain. This amino acid position is highly conserved in available vertebrate species. In addition, this alteration is predicted to be deleterious by in silico analysis. Since supporting evidence is limited at this time, the clinical significance of this alteration remains unclear.

Juno Genomics, Hangzhou Juno Genomics, Inc
Classification: Uncertain significance for Familial hyperaldosteronism type III; Long QT syndrome 13. Review status: criteria provided, single submitter. Criteria: ACMG Guidelines, 2015. Collection method: clinical testing. Allele origin: germline.
Comment: Absent from controls (or at extremely low frequency if recessive) in Genome Aggregation Database.;Multiple lines of computational evidence support a deleterious effect on the gene or gene product.

NM_000890.5(KCNJ5):c.260G>A (p.Arg87His)

Gene: KCNJ5 (potassium inwardly rectifying channel subfamily J member 5; plus strand). Cytogenetic location: 11q24.3.
Variant type: single nucleotide variant.
Coding change: c.260G>A on transcript NM_000890.5 (MANE Select); coding-DNA position 260, G replaced by A.
Protein change: p.Arg87His; replaces arginine 87 with histidine.
Molecular consequence: missense variant.
Genome position (GRCh38, 1-based): chr11:128,911,533, G>A. VCF-style: chr11-128911533-G-A. GRCh37 (hg19) VCF-style: chr11-128781428-G-A.
Other names: c.260G>A, p.Arg87His (NM_001354169.2); c.260G>A (LRG_333t1); short protein forms R87H.
Identifiers: ClinVar variation 659892 (VCV000659892.14), dbSNP rs747951700, ClinGen allele CA6357846.